The following is an entry in ClinVar:

NM_177924.5(ASAH1):c.217-2A>G

Gene: ASAH1 (N-acylsphingosine amidohydrolase 1; minus strand). Cytogenetic location: 8p22.
Variant type: single nucleotide variant.
Coding change: c.217-2A>G on transcript NM_177924.5 (MANE Select); the canonical splice acceptor site of the intron before coding-DNA position 217, A replaced by G.
Molecular consequence: splice acceptor variant. On other transcripts: intron variant (1).
Genome position (GRCh38, 1-based): chr8:18,069,880, T>C on the plus strand (A>G on the coding strand, the complement: ASAH1 is on the minus strand). VCF-style: chr8-18069880-T-C. GRCh37 (hg19) VCF-style: chr8-17927389-T-C.
Other names: c.265-2A>G (NM_004315.6); c.285+1420A>G (NM_001127505.3); c.22-2A>G (NM_001363743.2).
Identifiers: ClinVar variation 1506885 (VCV001506885.9), dbSNP rs771628836, ClinGen allele CA4650959.

ClinVar aggregate classification (germline): Likely pathogenic (1 of 4 stars; one submission).

Allele frequency attached by ClinVar (database versions not stated): TOPMed below 0.00001; ExAC 0.00001; gnomAD 0.00001; gnomAD exomes 0.00001.

Submissions (2):

Labcorp Genetics (formerly Invitae), Labcorp
Classification: Likely pathogenic. Last evaluated: 2025-02-15. Review status: criteria provided, single submitter. Criteria: Invitae Variant Classification Sherloc (09022015). Collection method: clinical testing. Allele origin: germline.
Comment: This sequence change affects an acceptor splice site in intron 3 of the ASAH1 gene. It is expected to disrupt RNA splicing. Variants that disrupt the donor or acceptor splice site typically lead to a loss of protein function (PMID: 16199547), and loss-of-function variants in ASAH1 are known to be pathogenic (PMID: 24164096, 24355074). This variant is present in population databases (rs771628836, gnomAD 0.002%). This variant has not been reported in the literature in individuals affected with ASAH1-related conditions. ClinVar contains an entry for this variant (Variation ID: 1506885). Algorithms developed to predict the effect of sequence changes on RNA splicing suggest that this variant may disrupt the consensus splice site. In summary, the currently available evidence indicates that the variant is pathogenic, but additional data are needed to prove that conclusively. Therefore, this variant has been classified as Likely Pathogenic.

Dr. Peter K. Rogan Lab, Western University
No classification provided (evidence only). Condition: Uveal melanoma. Review status: no classification provided. Collection method: in vitro. Allele origin: not applicable. Functional consequence: skipped exon. Not counted in ClinVar's aggregate classification.

Literature cited by the submitters: PubMed 16199547 (cited by Labcorp Genetics (formerly Invitae), Labcorp); PubMed 24164096 (cited by Labcorp Genetics (formerly Invitae), Labcorp); PubMed 24355074 (cited by Labcorp Genetics (formerly Invitae), Labcorp).